The following is an entry in ClinVar:

ClinVar aggregate classification (germline): Uncertain significance (1 of 4 stars; one submission).

Conditions:
Inborn genetic diseases. Identifiers: MedGen C0950123, MeSH D030342.

Submission:

Ambry Genetics
Classification: Uncertain significance for Inborn genetic diseases. Last evaluated: 2023-03-05. Review status: criteria provided, single submitter. Criteria: Ambry Variant Classification Scheme 2023. Collection method: clinical testing. Allele origin: germline.
Comment: The p.A1550E variant (also known as c.4649C>A), located in coding exon 27 of the ATR gene, results from a C to A substitution at nucleotide position 4649. The alanine at codon 1550 is replaced by glutamic acid, an amino acid with dissimilar properties. This amino acid position is conserved. In addition, this alteration is predicted to be tolerated by in silico analysis. Since supporting evidence is limited at this time, the clinical significance of this alteration remains unclear.

NM_001184.4(ATR):c.4649C>A (p.Ala1550Glu)

Gene: ATR (ATR checkpoint kinase; minus strand). Cytogenetic location: 3q23.
Variant type: single nucleotide variant.
Coding change: c.4649C>A on transcript NM_001184.4 (MANE Select); coding-DNA position 4649, C replaced by A.
Protein change: p.Ala1550Glu; replaces alanine 1550 with glutamic acid.
Molecular consequence: missense variant.
Genome position (GRCh38, 1-based): chr3:142,512,463, G>T on the plus strand (C>A on the coding strand, the complement: ATR is on the minus strand). VCF-style: chr3-142512463-G-T. GRCh37 (hg19) VCF-style: chr3-142231305-G-T.
Other names: c.4457C>A, p.Ala1486Glu (NM_001354579.2); short protein forms A1486E, A1550E.
Identifiers: ClinVar variation 3221171 (VCV003221171.1), dbSNP rs184380561, ClinGen allele CA354795961.